The following is an entry in ClinVar:

ClinVar aggregate classification (germline): Uncertain significance (1 of 4 stars; one submission).

gnomAD v4.1: 1 of 1,613,790 alleles (0.000062%); highest among the groups gnomAD compares: South Asian, 0.0011%; no homozygotes.

Submission:

GeneDx
Classification: Uncertain significance. Last evaluated: 2023-06-27. Review status: criteria provided, single submitter. Criteria: GeneDx Variant Classification Process June 2021. Collection method: clinical testing. Allele origin: germline. Affected: yes.
Comment: Not observed at significant frequency in large population cohorts (gnomAD); In silico analysis supports that this missense variant does not alter protein structure/function; Has not been previously published as pathogenic or benign to our knowledge

NM_024408.4(NOTCH2):c.6689T>C (p.Ile2230Thr)

Gene: NOTCH2 (notch receptor 2; minus strand). Cytogenetic location: 1p12.
Variant type: single nucleotide variant.
Coding change: c.6689T>C on transcript NM_024408.4 (MANE Select); coding-DNA position 6689, T replaced by C.
Protein change: p.Ile2230Thr; replaces isoleucine 2230 with threonine.
Molecular consequence: missense variant.
Genome position (GRCh38, 1-based): chr1:119,916,033, A>G on the plus strand (T>C on the coding strand, the complement: NOTCH2 is on the minus strand). VCF-style: chr1-119916033-A-G. GRCh37 (hg19) VCF-style: chr1-120458656-A-G.
Other names: short protein forms I2230T.
Identifiers: ClinVar variation 3360578 (VCV003360578.1).